The following is an entry in ClinVar:

NM_148960.3(CLDN19):c.338T>C (p.Ile113Thr)

Gene: CLDN19 (claudin 19; minus strand). Cytogenetic location: 1p34.2.
Variant type: single nucleotide variant.
Coding change: c.338T>C on transcript NM_148960.3 (MANE Select); coding-DNA position 338, T replaced by C.
Protein change: p.Ile113Thr; replaces isoleucine 113 with threonine.
Molecular consequence: missense variant.
Genome position (GRCh38, 1-based): chr1:42,738,471, A>G on the plus strand (T>C on the coding strand, the complement: CLDN19 is on the minus strand). VCF-style: chr1-42738471-A-G. GRCh37 (hg19) VCF-style: chr1-43204142-A-G.
Other names: c.338T>C, p.Ile113Thr (NM_001123395.2, NM_001185117.2); short protein forms I113T.
Identifiers: ClinVar variation 4704566 (VCV004704566.1).

ClinVar aggregate classification (germline): Uncertain significance (1 of 4 stars; one submission).

Submission:

Labcorp Genetics (formerly Invitae), Labcorp
Classification: Uncertain significance. Last evaluated: 2025-07-28. Review status: criteria provided, single submitter. Criteria: Invitae Variant Classification Sherloc (09022015). Collection method: clinical testing. Allele origin: germline.
Comment: This sequence change replaces isoleucine, which is neutral and non-polar, with threonine, which is neutral and polar, at codon 113 of the CLDN19 protein (p.Ile113Thr). This variant is present in population databases (no rsID available, gnomAD 0.0009%). This variant has not been reported in the literature in individuals affected with CLDN19-related conditions. An algorithm developed to predict the effect of missense changes on protein structure and function outputs the following: PolyPhen-2: "Benign". The threonine amino acid residue is found in multiple mammalian species, which suggests that this missense change does not adversely affect protein function. In summary, the available evidence is currently insufficient to determine the role of this variant in disease. Therefore, it has been classified as a Variant of Uncertain Significance.